The following is an entry in ClinVar:

ClinVar aggregate classification (germline): Likely benign (1 of 4 stars; one submission).

Submission:

GeneDx
Classification: Likely benign. Last evaluated: 2023-12-28. Review status: criteria provided, single submitter. Criteria: GeneDx Variant Classification Process June 2021. Collection method: clinical testing. Allele origin: germline. Affected: yes.
Comment: See Variant Classification Assertion Criteria.

NM_003470.3(USP7):c.34G>A (p.Ala12Thr)

Genes: USP7 (ubiquitin specific peptidase 7; minus strand), USP7-AS1 (USP7 antisense RNA 1; plus strand). Cytogenetic location: 16p13.2.
Variant type: single nucleotide variant.
Coding change: c.34G>A on transcript NM_003470.3 (MANE Select); coding-DNA position 34, G replaced by A.
Protein change: p.Ala12Thr; replaces alanine 12 with threonine.
Molecular consequence: missense variant.
Genome position (GRCh38, 1-based): chr16:8,963,252, C>T on the plus strand (G>A on the coding strand, the complement: USP7 is on the minus strand). VCF-style: chr16-8963252-C-T. GRCh37 (hg19) VCF-style: chr16-9057109-C-T.
Other names: c.34G>A (NM_003470.2); short protein forms A12T.
Identifiers: ClinVar variation 2572898 (VCV002572898.2), dbSNP rs2549283507, ClinGen allele CA394693235.